The following is an entry in ClinVar:

ClinVar aggregate classification (germline): Pathogenic/Likely pathogenic. Review status: criteria provided, multiple submitters, no conflicts (2 of 4 stars). 3 submissions from 3 submitters: Pathogenic (1); Likely pathogenic (2). Last evaluated 2025-09-28.

Conditions:
Autosomal recessive nonsyndromic hearing loss 77. Identifiers: Orphanet 90636, MedGen C2746083, MONDO:0013119, OMIM 613079.

Submissions (3):

Natera, Inc.
Classification: Likely pathogenic for Autosomal recessive deafness type 77. Last evaluated: 2025-09-28. Review status: criteria provided, single submitter. Criteria: Natera Variant Classification Schema (03/2026). Collection method: clinical testing. Allele origin: germline.
Comment: The c.3401_3404dup variant in LOXHD1 is a frameshift variant predicted to shift the reading frame beginning at codon 1136 and leads to a stop codon 10 codons downstream. This variant is expected to result in nonsense mediated decay, truncation, or a dysfunctional protein product. This variant is rare in the general population with a frequency below the threshold expected for the associated phenotype(s). Given the available evidence, this variant is classified as Likely Pathogenic.

Revvity Omics, Revvity
Classification: Likely pathogenic for Autosomal recessive nonsyndromic hearing loss 77. Last evaluated: 2022-03-09. Review status: criteria provided, single submitter. Criteria: ACMG Guidelines, 2015. Collection method: clinical testing. Allele origin: germline.

Labcorp Genetics (formerly Invitae), Labcorp
Classification: Pathogenic. Last evaluated: 2021-09-25. Review status: criteria provided, single submitter. Criteria: Invitae Variant Classification Sherloc (09022015). Collection method: clinical testing. Allele origin: germline.
Comment: This variant has not been reported in the literature in individuals affected with LOXHD1-related conditions. This variant is not present in population databases (ExAC no frequency). This sequence change creates a premature translational stop signal (p.Ser1136Alafs*10) in the LOXHD1 gene. It is expected to result in an absent or disrupted protein product. Loss-of-function variants in LOXHD1 are known to be pathogenic (PMID: 19732867, 21465660, 25792669). For these reasons, this variant has been classified as Pathogenic.

Literature cited by the submitters: PubMed 19732867 (cited by Labcorp Genetics (formerly Invitae), Labcorp); PubMed 21465660 (cited by Labcorp Genetics (formerly Invitae), Labcorp); PubMed 25792669 (cited by Labcorp Genetics (formerly Invitae), Labcorp).

NM_001384474.1(LOXHD1):c.3401_3404dup (p.Ser1136fs)

Gene: LOXHD1 (lipoxygenase homology PLAT domains 1; minus strand). Cytogenetic location: 18q21.1.
Variant type: Duplication.
Coding change: c.3401_3404dup on transcript NM_001384474.1 (MANE Select); coding-DNA positions 3401 to 3404, 4 bases duplicated (AGCT; older notation c.3401_3404dupAGCT).
Protein change: p.Ser1136fs; shifts the reading frame from serine 1136.
Molecular consequence: frameshift variant. On other transcripts: 5 prime UTR variant (1).
Genome position (GRCh38, 1-based): chr18:46,547,005-46,547,008, AGCT duplicated on the plus strand (AGCT on the coding strand, the reverse complement: LOXHD1 is on the minus strand). VCF-style (leftmost placement, unchanged base first): chr18-46547004-C-CAGCT. GRCh37 (hg19) VCF-style: chr18-44126967-C-CAGCT.
Other names: c.68_71dup, p.Ser25fs (NM_001145472.3); c.-221_-218dup (NM_001308013.2); c.3401_3404dup, p.Ser1136fs (NM_144612.7); c.3401_3404dup (NM_144612.6); short protein forms S1136fs, S25fs.
Identifiers: ClinVar variation 1453134 (VCV001453134.9), dbSNP rs2143824066, ClinGen allele CA2573155285.